The following is an entry in ClinVar:

ClinVar aggregate classification (germline): Uncertain significance. Review status: criteria provided, multiple submitters, no conflicts (2 of 4 stars). 2 submissions from 2 submitters: Uncertain significance (2). Last evaluated 2023-06-04.

Conditions:
Familial cancer of breast. Also called: BREAST CANCER, FAMILIAL; hereditary breast carcinoma; Hereditary breast cancer. Identifiers: Orphanet 227535, MedGen C0346153, MONDO:0016419, OMIM 114480. Disease mechanism: loss of function.

Submissions (2):

Labcorp Genetics (formerly Invitae), Labcorp
Classification: Uncertain significance for Familial cancer of breast. Last evaluated: 2023-06-04. Review status: criteria provided, single submitter. Criteria: Invitae Variant Classification Sherloc (09022015). Collection method: clinical testing. Allele origin: germline.
Comment: In summary, the available evidence is currently insufficient to determine the role of this variant in disease. Therefore, it has been classified as a Variant of Uncertain Significance. An algorithm developed to predict the effect of missense changes on protein structure and function (PolyPhen-2) suggests that this variant is likely to be disruptive. ClinVar contains an entry for this variant (Variation ID: 449863). This variant has not been reported in the literature in individuals affected with PALB2-related conditions. This variant is not present in population databases (gnomAD no frequency). This sequence change replaces asparagine, which is neutral and polar, with threonine, which is neutral and polar, at codon 1039 of the PALB2 protein (p.Asn1039Thr).

GeneDx
Classification: Uncertain significance. Last evaluated: 2017-03-01. Review status: criteria provided, single submitter. Criteria: GeneDx Variant Classification (06012015). Collection method: clinical testing. Allele origin: germline. Affected: yes.
Comment: This variant is denoted PALB2 c.3116A>C at the cDNA level, p.Asn1039Thr (N1039T) at the protein level, and results in the change of an Asparagine to a Threonine (AAT>ACT). This variant has not, to our knowledge, been published in the literature as pathogenic or benign. PALB2 Asn1039Thr was not observed in large population cohorts (Lek 2016, The 1000 Genomes Consortium 2015, NHLBI Exome Sequencing Project). Since Asparagine and Threonine share similar properties, this is considered a conservative amino acid substitution. PALB2 Asn1039Thr occurs at a position that is conserved in mammals and is located in the WD4 repeat, the region of interaction with POLH, RAD51,and BRCA2, and the region required for POLH DNA synthesis stimulation (UniProt). In silico analyses predict that this variant is probably damaging to protein structure and function. Based on currently available evidence, it is unclear whether PALB2 Asn1039Thr is a pathogenic or benign variant. We consider it to be a variant of uncertain significance.

NM_024675.4(PALB2):c.3116A>C (p.Asn1039Thr)

Gene: PALB2 (partner and localizer of BRCA2; minus strand). Cytogenetic location: 16p12.2.
Variant type: single nucleotide variant.
Coding change: c.3116A>C on transcript NM_024675.4 (MANE Select); coding-DNA position 3116, A replaced by C.
Protein change: p.Asn1039Thr; replaces asparagine 1039 with threonine.
Molecular consequence: missense variant.
Genome position (GRCh38, 1-based): chr16:23,614,089, T>G on the plus strand (A>C on the coding strand, the complement: PALB2 is on the minus strand). VCF-style: chr16-23614089-T-G. GRCh37 (hg19) VCF-style: chr16-23625410-T-G.
Other names: short protein forms N1039T.
Identifiers: ClinVar variation 449863 (VCV000449863.3), dbSNP rs1555458829, ClinGen allele CA395141498.